The following is an entry in ClinVar:

NM_000089.4(COL1A2):c.890C>T (p.Pro297Leu)

Gene: COL1A2 (collagen type I alpha 2 chain; plus strand). Cytogenetic location: 7q21.3.
Variant type: single nucleotide variant.
Coding change: c.890C>T on transcript NM_000089.4 (MANE Select); coding-DNA position 890, C replaced by T.
Protein change: p.Pro297Leu; replaces proline 297 with leucine.
Molecular consequence: missense variant.
Genome position (GRCh38, 1-based): chr7:94,409,419, C>T. VCF-style: chr7-94409419-C-T. GRCh37 (hg19) VCF-style: chr7-94038731-C-T.
Other names: short protein forms P297L.
Identifiers: ClinVar variation 2948225 (VCV002948225.5), dbSNP rs370146896, ClinGen allele CA162919773.

ClinVar aggregate classification (germline): Uncertain significance. Review status: criteria provided, multiple submitters, no conflicts (2 of 4 stars). 2 submissions from 2 submitters: Uncertain significance (2). Last evaluated 2026-09-01.

Conditions:
Cardiovascular phenotype. Identifiers: MedGen CN230736.
Ehlers-Danlos syndrome, classic type, 1 (EDSCL1). Also called: Ehlers-Danlos syndrome, type 1; Ehlers-Danlos Syndrome, Classic Type, COL5A1-Related; EHLERS-DANLOS SYNDROME, GRAVIS TYPE; EHLERS-DANLOS SYNDROME, SEVERE CLASSIC TYPE; EDS I. Identifiers: MedGen C0268335, MONDO:0019567, OMIM 130000.
Osteogenesis imperfecta type I (OI1). Also called: Classic Non-deforming Osteogenesis Imperfecta with Blue Sclerae; Lobstein's Disease; OI, TYPE I; OSTEOGENESIS IMPERFECTA TARDA; OSTEOGENESIS IMPERFECTA WITH BLUE SCLERAE; Osteogenesis imperfecta type 1. Identifiers: Orphanet 216796, Orphanet 666, MedGen C0023931, MONDO:0008146, OMIM 166200. Disease mechanism: loss of function.

Allele frequency attached by ClinVar (database versions not stated): TOPMed 0.00003; gnomAD 0.00002; ESP Exome Variant Server 0.00008; gnomAD exomes below 0.00001.
gnomAD v4.1: 12 of 1,613,954 alleles (0.00074%); highest among the groups gnomAD compares: African/African-American, 0.012%; no homozygotes.

Submissions (2):

Ambry Genetics
Classification: Uncertain significance for Cardiovascular phenotype. Last evaluated: 2026-09-01. Review status: criteria provided, single submitter. Criteria: Ambry Variant Classification Scheme 2023. Collection method: clinical testing. Allele origin: germline.

Labcorp Genetics (formerly Invitae), Labcorp
Classification: Uncertain significance for Osteogenesis imperfecta type I; Ehlers-Danlos syndrome, classic type, 1. Last evaluated: 2023-11-21. Review status: criteria provided, single submitter. Criteria: Invitae Variant Classification Sherloc (09022015). Collection method: clinical testing. Allele origin: germline.
Comment: This sequence change replaces proline, which is neutral and non-polar, with leucine, which is neutral and non-polar, at codon 297 of the COL1A2 protein (p.Pro297Leu). This variant is present in population databases (rs370146896, gnomAD 0.02%). This variant has not been reported in the literature in individuals affected with COL1A2-related conditions. Experimental studies and prediction algorithms are not available or were not evaluated, and the functional significance of this variant is currently unknown. In summary, the available evidence is currently insufficient to determine the role of this variant in disease. Therefore, it has been classified as a Variant of Uncertain Significance.